The following is an entry in ClinVar:

NM_001288705.3(CSF1R):c.1030_1031delinsTT (p.Asp344Phe)

Gene: CSF1R (colony stimulating factor 1 receptor; minus strand). Cytogenetic location: 5q32.
Variant type: Indel.
Coding change: c.1030_1031delinsTT on transcript NM_001288705.3 (MANE Select); coding-DNA positions 1030 to 1031, GA replaced by TT.
Protein change: p.Asp344Phe; replaces aspartic acid 344 with phenylalanine.
Molecular consequence: missense variant. On other transcripts: non-coding transcript variant (2).
Genome position (GRCh38, 1-based): chr5:150,073,352-150,073,353, TC replaced by AA on the plus strand (GA replaced by TT on the coding strand, the reverse complement: CSF1R is on the minus strand). VCF-style: chr5-150073352-TC-AA. GRCh37 (hg19) VCF-style: chr5-149452915-TC-AA.
Other names: c.1030_1031delinsTT, p.Asp344Phe (NM_001349736.2, NM_001375320.1, NM_005211.4); c.586_587delinsTT, p.Asp196Phe (NM_001375321.1); short protein forms D196F, D344F.
Identifiers: ClinVar variation 1936321 (VCV001936321.5), dbSNP rs2481020821, ClinGen allele CA2580073858.

ClinVar aggregate classification (germline): Uncertain significance (1 of 4 stars; one submission).

Submission:

Labcorp Genetics (formerly Invitae), Labcorp
Classification: Uncertain significance. Last evaluated: 2022-06-27. Review status: criteria provided, single submitter. Criteria: Invitae Variant Classification Sherloc (09022015). Collection method: clinical testing. Allele origin: germline.
Comment: Algorithms developed to predict the effect of missense changes on protein structure and function are either unavailable or do not agree on the potential impact of this missense change (SIFT: "Not Available"; PolyPhen-2: "Possibly Damaging"; Align-GVGD: "Not Available"). Information on the frequency of this variant in the gnomAD database is not available, as this variant may be reported differently in the database. This variant has not been reported in the literature in individuals affected with CSF1R-related conditions. In summary, the available evidence is currently insufficient to determine the role of this variant in disease. Therefore, it has been classified as a Variant of Uncertain Significance. This sequence change replaces aspartic acid, which is acidic and polar, with phenylalanine, which is neutral and non-polar, at codon 344 of the CSF1R protein (p.Asp344Phe).